The following is an entry in ClinVar:

ClinVar aggregate classification (germline): Likely pathogenic (1 of 4 stars; one submission).

Conditions:
Lafora disease. Also called: Epilepsy progressive myoclonic 2. Identifiers: Orphanet 501, MedGen C0751783, MONDO:0009697.

Submission:

Broad Center for Mendelian Genomics, Broad Institute of MIT and Harvard
Classification: Likely pathogenic for Lafora disease. Last evaluated: 2025-01-07. Review status: criteria provided, single submitter. Criteria: ACMG Guidelines, 2015. Collection method: curation. Allele origin: germline. Inheritance: Autosomal recessive inheritance.
Comment: The p.Gly75ArgfsTer33 variant in EPM2A has been reported in 1 individual with Lafora disease (PMID: 12560877), and has been identified in 0.003% (1/30264) of East Asian chromosomes by the Genome Aggregation Database (gnomAD; dbSNP rs1776795705). Although this variant has been seen in the general population in a heterozygous state, its frequency is low enough to be consistent with a recessive carrier frequency. This variant is predicted to cause a frameshift, which alters the protein‚Äôs amino acid sequence beginning at position 75 and leads to a premature termination codon 33 amino acids downstream. This alteration is then predicted to lead to a truncated or absent protein. Loss of function of the EPM2A gene is an established disease mechanism in autosomal recessive Lafora disease. In summary, although additional studies are required to fully establish its clinical significance, this variant is likely pathogenic for autosomal recessive Lafora disease. ACMG/AMP Criteria applied: PVS1, PM2_supporting (Richards 2015).

NM_005670.4(EPM2A):c.222dup (p.Gly75fs)

Genes: EPM2A (EPM2A glucan phosphatase, laforin; minus strand), EPM2A-DT (EPM2A divergent transcript; plus strand), LOC129997381 (ATAC-STARR-seq lymphoblastoid silent region 17642; plus strand). Cytogenetic location: 6q24.3.
Variant type: Duplication.
Coding change: c.222dup on transcript NM_005670.4 (MANE Select); coding-DNA position 222, one base duplicated (C; older notation c.222dupC).
Protein change: p.Gly75fs; shifts the reading frame from glycine 75.
Molecular consequence: frameshift variant. On other transcripts: 5 prime UTR variant (3), intron variant (1).
Genome position (GRCh38, 1-based): chr6:145,735,277, G duplicated on the plus strand (C on the coding strand, the reverse complement: EPM2A is on the minus strand). VCF-style (leftmost placement, unchanged base first): chr6-145735276-C-CG. GRCh37 (hg19) VCF-style: chr6-146056412-C-CG.
Other names: NR_153398.2:n.116+631dup; c.222dup, p.Gly75fs (NM_001018041.2, NM_001360057.2, NM_001368130.1); c.-448dup (NM_001360071.2); c.-402dup (NM_001368129.2); c.-146dup (NM_001368131.1); c.-114+631dup (NM_001360064.2); short protein forms G75fs.
Identifiers: ClinVar variation 3776914 (VCV003776914.1).